The following is an entry in ClinVar:

NM_001903.5(CTNNA1):c.2358C>T (p.Tyr786=)

Gene: CTNNA1 (catenin alpha 1; plus strand). Cytogenetic location: 5q31.2.
Variant type: single nucleotide variant.
Coding change: c.2358C>T on transcript NM_001903.5 (MANE Select); coding-DNA position 2358, C replaced by T.
Protein change: p.Tyr786=; no amino-acid change (tyrosine 786 retained).
Molecular consequence: synonymous variant. On other transcripts: intron variant (1).
Genome position (GRCh38, 1-based): chr5:138,932,637, C>T. VCF-style: chr5-138932637-C-T. GRCh37 (hg19) VCF-style: chr5-138268326-C-T.
Other names: c.1248C>T, p.Tyr416= (NM_001323998.1, NM_001323999.1, NM_001290312.1 and 16 more transcripts); c.909C>T, p.Tyr303= (NM_001324009.1, NM_001324010.1, NM_001324008.1 and 2 more transcripts); c.1155C>T, p.Tyr385= (NM_001324011.1); c.1005C>T, p.Tyr335= (NM_001324012.1, NM_001324013.1); c.1189-1165C>T (NM_001324001.1); c.2358C>T, p.Tyr786= (NM_001290307.3, NM_001323982.2, NM_001323983.1 and 2 more transcripts); c.2049C>T, p.Tyr683= (NM_001290309.3); c.1989C>T, p.Tyr663= (NM_001290310.3); and 1 more.
Identifiers: ClinVar variation 1141566 (VCV001141566.12), dbSNP rs753714506, ClinGen allele CA3432176.

ClinVar aggregate classification (germline): Benign/Likely benign. Review status: criteria provided, multiple submitters, no conflicts (2 of 4 stars). 3 submissions from 3 submitters: Benign (1); Likely benign (2). Last evaluated 2025-11-23.

Conditions:
Hereditary cancer-predisposing syndrome. Also called: Hereditary neoplastic syndrome; Tumor predisposition; Neoplastic Syndromes, Hereditary; Hereditary Cancer Syndrome. Identifiers: Orphanet 140162, MedGen C0027672, MeSH D009386, MONDO:0015356.
Hereditary diffuse gastric adenocarcinoma (HDGC). Also called: DIFFUSE GASTRIC AND LOBULAR BREAST CANCER SYNDROME. Identifiers: Orphanet 26106, MedGen C1708349, MONDO:0007648, OMIM 137215.

Allele frequency attached by ClinVar (database versions not stated): gnomAD exomes below 0.00001 and 0.00002; ExAC 0.00001; gnomAD 0.00001; TOPMed 0.00001.
gnomAD v4.1: 8 of 1,614,116 alleles (0.0005%); highest among the groups gnomAD compares: Admixed American, 0.0067%; no homozygotes.

Submissions (3):

Labcorp Genetics (formerly Invitae), Labcorp
Classification: Likely benign. Last evaluated: 2025-11-23. Review status: criteria provided, single submitter. Criteria: Invitae Variant Classification Sherloc (09022015). Collection method: clinical testing. Allele origin: germline.

Myriad Genetics, Inc.
Classification: Benign for Hereditary diffuse gastric adenocarcinoma. Last evaluated: 2024-10-15. Review status: criteria provided, single submitter. Criteria: Myriad Autosomal Dominant, Autosomal Recessive and X-Linked Classification Criteria (2023). Collection method: clinical testing. Allele origin: unknown.
Comment: This variant is considered benign. This variant is a silent/synonymous amino acid change and it is not expected to impact splicing.

Ambry Genetics
Classification: Likely benign for Hereditary cancer-predisposing syndrome. Last evaluated: 2021-10-08. Review status: criteria provided, single submitter. Criteria: Ambry Variant Classification Scheme 2023. Collection method: clinical testing. Allele origin: germline.